The following is an entry in ClinVar:

NM_144670.6(A2ML1):c.2756G>A (p.Cys919Tyr)

Gene: A2ML1 (alpha-2-macroglobulin like 1; plus strand). Cytogenetic location: 12p13.31.
Variant type: single nucleotide variant.
Coding change: c.2756G>A on transcript NM_144670.6 (MANE Select); coding-DNA position 2756, G replaced by A.
Protein change: p.Cys919Tyr; replaces cysteine 919 with tyrosine.
Molecular consequence: missense variant.
Genome position (GRCh38, 1-based): chr12:8,854,823, G>A. VCF-style: chr12-8854823-G-A. GRCh37 (hg19) VCF-style: chr12-9007419-G-A.
Other names: c.1283G>A, p.Cys428Tyr (NM_001282424.3); short protein forms C919Y, C428Y.
Identifiers: ClinVar variation 4260787 (VCV004260787.1).
Genomic context (GRCh38, chr12:8,854,823, plus strand): 5'-GTCTCTCTTCATCGCAGCCTGAGGGAGTCCTGGTGGAGAAGACACACAGCTCATTGCTGT[G>A]CCCAAAAGGTGGGTGGACTCAGAGCAGGATTGGTGGTGAGAATTCCCTTAGAGGGCAGGA-3'
Protein context (NP_653271.3, residues 909-929): LVEKTHSSLL[Cys919Tyr]PKGKVASESV

ClinVar aggregate classification (germline): Uncertain significance (1 of 4 stars; one submission).

Submission:

Ambry Genetics
Classification: Uncertain significance. Last evaluated: 2025-08-12. Review status: criteria provided, single submitter. Criteria: Ambry Variant Classification Scheme 2023. Collection method: clinical testing. Allele origin: germline.
Comment: The p.C919Y variant (also known as c.2756G>A), located in coding exon 22 of the A2ML1 gene, results from a G to A substitution at nucleotide position 2756. The cysteine at codon 919 is replaced by tyrosine, an amino acid with highly dissimilar properties. This amino acid position is conserved. In addition, the in silico prediction for this alteration is inconclusive. Based on the available evidence, the clinical significance of this variant remains unclear.